The following is an entry in ClinVar:

ClinVar aggregate classification (germline): Uncertain significance (1 of 4 stars; one submission).

Conditions:
Fanconi anemia complementation group J. Also called: BRIP1-Related Fanconi Anemia. Identifiers: Orphanet 84, MedGen C1836860, MONDO:0012187, OMIM 609054.
Familial cancer of breast. Also called: BREAST CANCER, FAMILIAL; Hereditary breast cancer; hereditary breast carcinoma. Identifiers: Orphanet 227535, MedGen C0346153, MONDO:0016419, OMIM 114480. Disease mechanism: loss of function.

Submission:

Labcorp Genetics (formerly Invitae), Labcorp
Classification: Uncertain significance for Familial cancer of breast; Fanconi anemia complementation group J. Last evaluated: 2019-10-12. Review status: criteria provided, single submitter. Criteria: Invitae Variant Classification Sherloc (09022015). Collection method: clinical testing. Allele origin: germline.
Comment: This sequence change replaces serine with glycine at codon 520 of the BRIP1 protein (p.Ser520Gly). The serine residue is highly conserved and there is a small physicochemical difference between serine and glycine. This variant is not present in population databases (ExAC no frequency). This variant has not been reported in the literature in individuals with BRIP1-related conditions. Algorithms developed to predict the effect of missense changes on protein structure and function are either unavailable or do not agree on the potential impact of this missense change (SIFT: "Tolerated"; PolyPhen-2: "Probably Damaging"; Align-GVGD: "Class C0"). In summary, the available evidence is currently insufficient to determine the role of this variant in disease. Therefore, it has been classified as a Variant of Uncertain Significance.

NM_032043.3(BRIP1):c.1558A>G (p.Ser520Gly)

Gene: BRIP1 (BRCA1 interacting DNA helicase 1; minus strand). Cytogenetic location: 17q23.2.
Variant type: single nucleotide variant.
Coding change: c.1558A>G on transcript NM_032043.3 (MANE Select); coding-DNA position 1558, A replaced by G.
Protein change: p.Ser520Gly; replaces serine 520 with glycine.
Molecular consequence: missense variant.
Genome position (GRCh38, 1-based): chr17:61,784,340, T>C on the plus strand (A>G on the coding strand, the complement: BRIP1 is on the minus strand). VCF-style: chr17-61784340-T-C. GRCh37 (hg19) VCF-style: chr17-59861701-T-C.
Other names: short protein forms S520G.
Identifiers: ClinVar variation 970164 (VCV000970164.10), dbSNP rs2077669665, ClinGen allele CA400481165.